The following is an entry in ClinVar:

NM_001085487.3(MYSM1):c.853C>G (p.Gln285Glu)

Gene: MYSM1 (Myb like, SWIRM and MPN domains 1; minus strand). Cytogenetic location: 1p32.1.
Variant type: single nucleotide variant.
Coding change: c.853C>G on transcript NM_001085487.3 (MANE Select); coding-DNA position 853, C replaced by G.
Protein change: p.Gln285Glu; replaces glutamine 285 with glutamic acid.
Molecular consequence: missense variant.
Genome position (GRCh38, 1-based): chr1:58,682,191, G>C on the plus strand (C>G on the coding strand, the complement: MYSM1 is on the minus strand). VCF-style: chr1-58682191-G-C. GRCh37 (hg19) VCF-style: chr1-59147863-G-C.
Other names: short protein forms Q285E.
Identifiers: ClinVar variation 3685293 (VCV003685293.2).

ClinVar aggregate classification (germline): Uncertain significance (1 of 4 stars; one submission).

gnomAD v4.1: 2 of 1,612,766 alleles (0.00012%); highest among the groups gnomAD compares: Admixed American, 0.0017%; no homozygotes.

Submission:

Labcorp Genetics (formerly Invitae), Labcorp
Classification: Uncertain significance. Last evaluated: 2024-07-20. Review status: criteria provided, single submitter. Criteria: Invitae Variant Classification Sherloc (09022015). Collection method: clinical testing. Allele origin: germline.
Comment: This sequence change replaces glutamine, which is neutral and polar, with glutamic acid, which is acidic and polar, at codon 285 of the MYSM1 protein (p.Gln285Glu). This variant is not present in population databases (gnomAD no frequency). This variant has not been reported in the literature in individuals affected with MYSM1-related conditions. Advanced modeling of protein sequence and biophysical properties (such as structural, functional, and spatial information, amino acid conservation, physicochemical variation, residue mobility, and thermodynamic stability) performed at Invitae indicates that this missense variant is not expected to disrupt MYSM1 protein function with a negative predictive value of 80%. In summary, the available evidence is currently insufficient to determine the role of this variant in disease. Therefore, it has been classified as a Variant of Uncertain Significance.